The following is an entry in ClinVar:

ClinVar aggregate classification (germline): Uncertain significance (1 of 4 stars; one submission).

gnomAD v4.1: 54 of 1,551,180 alleles (0.0035%); highest among the groups gnomAD compares: East Asian, 0.022%; no homozygotes.

Submission:

Labcorp Genetics (formerly Invitae), Labcorp
Classification: Uncertain significance. Last evaluated: 2022-07-20. Review status: criteria provided, single submitter. Criteria: Invitae Variant Classification Sherloc (09022015). Collection method: clinical testing. Allele origin: germline.
Comment: This sequence change replaces valine, which is neutral and non-polar, with methionine, which is neutral and non-polar, at codon 1336 of the LOXHD1 protein (p.Val1336Met). The frequency data for this variant in the population databases is considered unreliable, as metrics indicate poor data quality at this position in the gnomAD database. This variant has not been reported in the literature in individuals affected with LOXHD1-related conditions. Algorithms developed to predict the effect of missense changes on protein structure and function are either unavailable or do not agree on the potential impact of this missense change (SIFT: "Deleterious"; PolyPhen-2: "Benign"; Align-GVGD: "Class C0"). In summary, the available evidence is currently insufficient to determine the role of this variant in disease. Therefore, it has been classified as a Variant of Uncertain Significance.

NM_001384474.1(LOXHD1):c.4006G>A (p.Val1336Met)

Gene: LOXHD1 (lipoxygenase homology PLAT domains 1; minus strand). Cytogenetic location: 18q21.1.
Variant type: single nucleotide variant.
Coding change: c.4006G>A on transcript NM_001384474.1 (MANE Select); coding-DNA position 4006, G replaced by A.
Protein change: p.Val1336Met; replaces valine 1336 with methionine.
Molecular consequence: missense variant.
Genome position (GRCh38, 1-based): chr18:46,538,245, C>T on the plus strand (G>A on the coding strand, the complement: LOXHD1 is on the minus strand). VCF-style: chr18-46538245-C-T. GRCh37 (hg19) VCF-style: chr18-44118208-C-T.
Other names: c.673G>A, p.Val225Met (NM_001145472.3); c.385G>A, p.Val129Met (NM_001308013.2); c.4006G>A, p.Val1336Met (NM_144612.7); short protein forms V129M, V225M, V1336M.
Identifiers: ClinVar variation 2167867 (VCV002167867.1), dbSNP rs149068207, ClinGen allele CA8952399.
Genomic context (GRCh38, chr18:46,538,245, plus strand): 5'-TCTCAAAGAACTGCTTCTGTTCCCTCTTGTTGGTACACAGATACTTCTGCTGGGTGCACA[C>T]GGCATCGCAGCCATAGATGATGATGAAGATGTTGGCATCTGTCCCAGCAGCAAAGACATC-3'
Protein context (NP_001371403.1, residues 1326-1346): IFIIIYGCDA[Val1336Met]CTQQKYLCTN